The following is an entry in ClinVar:

NM_181712.5(KANK4):c.2098G>A (p.Asp700Asn)

Gene: KANK4 (KN motif and ankyrin repeat domains 4; minus strand). Cytogenetic location: 1p31.3.
Variant type: single nucleotide variant.
Coding change: c.2098G>A on transcript NM_181712.5 (MANE Select); coding-DNA position 2098, G replaced by A.
Protein change: p.Asp700Asn; replaces aspartic acid 700 with asparagine.
Molecular consequence: missense variant.
Genome position (GRCh38, 1-based): chr1:62,268,420, C>T on the plus strand (G>A on the coding strand, the complement: KANK4 is on the minus strand). VCF-style: chr1-62268420-C-T. GRCh37 (hg19) VCF-style: chr1-62734092-C-T.
Other names: c.214G>A, p.Asp72Asn (NM_001320269.2); c.2098G>A (NM_181712.4); short protein forms D700N, D72N.
Identifiers: ClinVar variation 1394391 (VCV001394391.8), dbSNP rs377138463, ClinGen allele CA884214.

ClinVar aggregate classification (germline): Uncertain significance. Review status: criteria provided, multiple submitters, no conflicts (2 of 4 stars). 2 submissions from 2 submitters: Uncertain significance (2). Last evaluated 2025-10-21.

Allele frequency attached by ClinVar (database versions not stated): gnomAD exomes 0.00002; ExAC 0.00003; ESP Exome Variant Server 0.00008; gnomAD 0.00012; TOPMed 0.00015.
gnomAD v4.1: 40 of 1,613,918 alleles (0.0025%); highest among the groups gnomAD compares: African/African-American, 0.053%; no homozygotes.

Submissions (2):

Labcorp Genetics (formerly Invitae), Labcorp
Classification: Uncertain significance. Last evaluated: 2025-10-21. Review status: criteria provided, single submitter. Criteria: Invitae Variant Classification Sherloc (09022015). Collection method: clinical testing. Allele origin: germline.
Comment: This sequence change replaces aspartic acid, which is acidic and polar, with asparagine, which is neutral and polar, at codon 700 of the KANK4 protein (p.Asp700Asn). This variant is present in population databases (rs377138463, gnomAD 0.05%). This variant has not been reported in the literature in individuals affected with KANK4-related conditions. ClinVar contains an entry for this variant (Variation ID: 1394391). An algorithm developed to predict the effect of missense changes on protein structure and function outputs the following: PolyPhen-2: "Possibly Damaging". The asparagine amino acid residue is found in multiple mammalian species, which suggests that this missense change does not adversely affect protein function. In summary, the available evidence is currently insufficient to determine the role of this variant in disease. Therefore, it has been classified as a Variant of Uncertain Significance.

Ambry Genetics
Classification: Uncertain significance. Last evaluated: 2025-08-01. Review status: criteria provided, single submitter. Criteria: Ambry Variant Classification Scheme 2023. Collection method: clinical testing. Allele origin: germline.